The following is an entry in ClinVar:

NM_015570.4(AUTS2):c.1529G>A (p.Arg510His)

Gene: AUTS2 (activator of transcription and developmental regulator AUTS2; plus strand). Cytogenetic location: 7q11.22.
Variant type: single nucleotide variant.
Coding change: c.1529G>A on transcript NM_015570.4 (MANE Select); coding-DNA position 1529, G replaced by A.
Protein change: p.Arg510His; replaces arginine 510 with histidine.
Molecular consequence: missense variant.
Genome position (GRCh38, 1-based): chr7:70,766,174, G>A. VCF-style: chr7-70766174-G-A. GRCh37 (hg19) VCF-style: chr7-70231160-G-A.
Other names: c.1529G>A, p.Arg510His (NM_001127231.3); short protein forms R510H.
Identifiers: ClinVar variation 4881337 (VCV004881337.2).

ClinVar aggregate classification (germline): Uncertain significance (1 of 4 stars; one submission).

gnomAD v4.1: 7 of 1,614,092 alleles (0.00043%); highest among the groups gnomAD compares: Admixed American, 0.0033%; no homozygotes.

Submission:

Dasa
Classification: Uncertain significance. Last evaluated: 2025-05-21. Review status: criteria provided, single submitter. Criteria: DASA Assertion Criteria. Collection method: clinical testing. Allele origin: germline.
Comment: NM_015570.4(AUTS2):c.1529G>A (p.Arg510His) is a missense variant that results in the substitution of arginine with histidine. This variant is rare in population databases. Computational prediction algorithms are consistent with a benign effect. The currently available literature and clinical evidence are not sufficient to establish a definitive association between this variant and the reported condition. Therefore, this variant is classified as a variant of uncertain significance.